The following is an entry in ClinVar:

ClinVar aggregate classification (germline): no classifications from unflagged records (0 of 4 stars; one submission).

Conditions:
Diencephalic-mesencephalic junction dysplasia syndrome 2. Also called: SPASTIC TETRAPARESIS, DYSTONIA, DEVELOPMENTAL DELAY, AND STRUCTURAL ABNORMALITIES OF THE BASAL GANGLIA. Identifiers: MedGen C5231440, MONDO:0020762, OMIM 618646.

Submission:

OMIM
Classification: Pathogenic for DIENCEPHALIC-MESENCEPHALIC JUNCTION DYSPLASIA SYNDROME 2. Last evaluated: 2020-08-14. Review status: flagged submission. Collection method: literature only. Allele origin: germline.
ClinVar note: Notes: Flagging candidate with reason of insufficient supporting evidence. This gene has been classified as having a limited gene-disease relationship by a ClinGen Expert Panel.
ClinVar note: Reason: Other

Literature cited by the submitters: PubMed 31412107.

NM_133267.3(GSX2):c.752A>G (p.Gln251Arg)

Gene: GSX2 (GS homeobox 2; plus strand). Cytogenetic location: 4q12.
Variant type: single nucleotide variant.
Coding change: c.752A>G on transcript NM_133267.3 (MANE Select); coding-DNA position 752, A replaced by G.
Protein change: p.Gln251Arg; replaces glutamine 251 with arginine.
Molecular consequence: missense variant.
Genome position (GRCh38, 1-based): chr4:54,101,759, A>G. VCF-style: chr4-54101759-A-G. GRCh37 (hg19) VCF-style: chr4-54967926-A-G.
Other names: short protein forms Q251R.
Identifiers: ClinVar variation 694063 (VCV000694063.3), dbSNP rs1578005344, ClinGen allele CA356955836.